The following is an entry in ClinVar:

NM_032608.7(MYO18B):c.1692+7C>T

Gene: MYO18B (myosin XVIIIB; plus strand). Cytogenetic location: 22q12.1.
Variant type: single nucleotide variant.
Coding change: c.1692+7C>T on transcript NM_032608.7 (MANE Select); 7 bases into the intron after coding-DNA position 1692, C replaced by T.
Molecular consequence: intron variant.
Genome position (GRCh38, 1-based): chr22:25,770,991, C>T. VCF-style: chr22-25770991-C-T. GRCh37 (hg19) VCF-style: chr22-26166958-C-T.
Other names: c.1692+7C>T (NM_001318245.2).
Identifiers: ClinVar variation 732253 (VCV000732253.12), dbSNP rs117430010, ClinGen allele CA10159913.

ClinVar aggregate classification (germline): Likely benign. Review status: criteria provided, multiple submitters, no conflicts (2 of 4 stars). 3 submissions from 3 submitters: Likely benign (2). 1 of the submissions does not count toward it. Last evaluated 2026-01-14.

Conditions:
MYO18B-related disorder. Also called: MYO18B-related condition.

Allele frequency attached by ClinVar (database versions not stated): gnomAD 0.00006 and 0.00021; gnomAD exomes 0.00006; TOPMed 0.00007; ExAC 0.00018; 1000 Genomes Project 0.00120.
gnomAD v4.1: 457 of 1,538,572 alleles (0.03%); highest among the groups gnomAD compares: East Asian, 1.1%; 5 homozygotes.

Submissions (3):

Labcorp Genetics (formerly Invitae), Labcorp
Classification: Likely benign. Last evaluated: 2026-01-14. Review status: criteria provided, single submitter. Criteria: Invitae Variant Classification Sherloc (09022015). Collection method: clinical testing. Allele origin: germline.

Blueprint Genetics
Classification: Likely benign. Last evaluated: 2022-01-20. Review status: criteria provided, single submitter. Criteria: ACMG Guidelines, 2015. Collection method: clinical testing. Allele origin: germline.

PreventionGenetics, part of Exact Sciences
Classification: Likely benign for MYO18B-related condition. Last evaluated: 2019-04-29. Review status: no assertion criteria provided. Collection method: clinical testing. Allele origin: germline. Not counted in ClinVar's aggregate classification.
Comment: This variant is classified as likely benign based on ACMG/AMP sequence variant interpretation guidelines (Richards et al. 2015 PMID: 25741868, with internal and published modifications).